The following is an entry in ClinVar:

ClinVar aggregate classification (germline): Uncertain significance (1 of 4 stars; one submission).

Conditions:
Cardiovascular phenotype. Identifiers: MedGen CN230736.

Allele frequency attached by ClinVar (database versions not stated): ExAC 0.00003.

Submission:

Ambry Genetics
Classification: Uncertain significance for Cardiovascular phenotype. Last evaluated: 2025-06-22. Review status: criteria provided, single submitter. Criteria: Ambry Variant Classification Scheme 2023. Collection method: clinical testing. Allele origin: germline.
Comment: The p.P93S variant (also known as c.277C>T), located in coding exon 1 of the TNXB gene, results from a C to T substitution at nucleotide position 277. The proline at codon 93 is replaced by serine, an amino acid with similar properties. This amino acid position is conserved. In addition, the in silico prediction for this alteration is inconclusive. Since supporting evidence is limited at this time, the clinical significance of this alteration remains unclear.

NM_001365276.2(TNXB):c.277C>T (p.Pro93Ser)

Gene: TNXB (tenascin XB; minus strand). Cytogenetic location: 6p21.33.
Variant type: single nucleotide variant.
Coding change: c.277C>T on transcript NM_001365276.2 (MANE Select); coding-DNA position 277, C replaced by T.
Protein change: p.Pro93Ser; replaces proline 93 with serine.
Molecular consequence: missense variant.
Genome position (GRCh38, 1-based): chr6:32,097,922, G>A on the plus strand (C>T on the coding strand, the complement: TNXB is on the minus strand). VCF-style: chr6-32097922-G-A. GRCh37 (hg19) VCF-style: chr6-32065699-G-A.
Other names: c.277C>T, p.Pro93Ser (NM_019105.8); short protein forms P93S.
Identifiers: ClinVar variation 1795904 (VCV001795904.3), dbSNP rs539922100, ClinGen allele CA3735872.
Genomic context (GRCh38, chr6:32,097,922, plus strand): 5'-ACTCCTCCAGGATCTCTAGACGGACCCTCAGGGCCTGTACCTCTGAAGCAAGGACTGGGG[G>A]CTCGGTGCCTGGGGGACAGCCACAGCCAGTGGAAGGGGGCAGGTTAATGCGGTGGGTGAA-3'
Protein context (NP_001352205.1, residues 83-103): TGCGCPPGTE[Pro93Ser]PVLASEVQAL